The following is an entry in ClinVar:

ClinVar aggregate classification (germline): Likely benign. Review status: criteria provided, multiple submitters, no conflicts (2 of 4 stars). 2 submissions from 2 submitters: Likely benign (2). Last evaluated 2023-12-07.

Conditions:
Neurodevelopmental disorder with or without hyperkinetic movements and seizures, autosomal dominant. Also called: Intellectual disability, autosomal dominant 8. Identifiers: MedGen C3280282, MONDO:0013655, OMIM 614254.

Allele frequency attached by ClinVar (database versions not stated): TOPMed below 0.00001; gnomAD exomes 0.00001.
gnomAD v4.1: 11 of 1,612,384 alleles (0.00068%); highest among the groups gnomAD compares: Non-Finnish European, 0.00093%; no homozygotes.

Submissions (2):

Labcorp Genetics (formerly Invitae), Labcorp
Classification: Likely benign for Neurodevelopmental disorder with or without hyperkinetic movements and seizures, autosomal dominant. Last evaluated: 2023-12-07. Review status: criteria provided, single submitter. Criteria: Invitae Variant Classification Sherloc (09022015). Collection method: clinical testing. Allele origin: germline.

GeneDx
Classification: Likely benign. Last evaluated: 2017-04-17. Review status: criteria provided, single submitter. Criteria: GeneDx Variant Classification (06012015). Collection method: clinical testing. Allele origin: germline. Affected: yes.
Comment: This variant is considered likely benign or benign based on one or more of the following criteria: it is a conservative change, it occurs at a poorly conserved position in the protein, it is predicted to be benign by multiple in silico algorithms, and/or has population frequency not consistent with disease.

NM_007327.4(GRIN1):c.2443+15A>G

Gene: GRIN1 (glutamate ionotropic receptor NMDA type subunit 1; plus strand). Cytogenetic location: 9q34.3.
Variant type: single nucleotide variant.
Coding change: c.2443+15A>G on transcript NM_007327.4 (MANE Select); 15 bases into the intron after coding-DNA position 2443, A replaced by G.
Molecular consequence: intron variant.
Genome position (GRCh38, 1-based): chr9:137,163,683, A>G. VCF-style: chr9-137163683-A-G. GRCh37 (hg19) VCF-style: chr9-140058135-A-G.
Other names: c.2506+15A>G (NM_001185090.2, NM_001185091.2); c.2443+15A>G (NM_021569.4, NM_000832.7).
Identifiers: ClinVar variation 508905 (VCV000508905.9), dbSNP rs201269307, ClinGen allele CA201688670.